The following is an entry in ClinVar:

NM_001134407.3(GRIN2A):c.2774T>A (p.Ile925Asn)

Gene: GRIN2A (glutamate ionotropic receptor NMDA type subunit 2A; minus strand). Cytogenetic location: 16p13.2.
Variant type: single nucleotide variant.
Coding change: c.2774T>A on transcript NM_001134407.3 (MANE Select); coding-DNA position 2774, T replaced by A.
Protein change: p.Ile925Asn; replaces isoleucine 925 with asparagine.
Molecular consequence: missense variant.
Genome position (GRCh38, 1-based): chr16:9,764,770, A>T on the plus strand (T>A on the coding strand, the complement: GRIN2A is on the minus strand). VCF-style: chr16-9764770-A-T. GRCh37 (hg19) VCF-style: chr16-9858627-A-T.
Other names: c.2774T>A, p.Ile925Asn (NM_000833.5, NM_001134408.2); short protein forms I925N.
Identifiers: ClinVar variation 1801120 (VCV001801120.1), dbSNP rs2505971511, ClinGen allele CA394709383.

ClinVar aggregate classification (germline): Uncertain significance (1 of 4 stars; one submission).

Submission:

GeneDx
Classification: Uncertain significance. Last evaluated: 2022-05-26. Review status: criteria provided, single submitter. Criteria: GeneDx Variant Classification Process June 2021. Collection method: clinical testing. Allele origin: germline. Affected: yes.
Comment: Not observed at significant frequency in large population cohorts (gnomAD); In silico analysis supports that this missense variant does not alter protein structure/function; Has not been previously published as pathogenic or benign to our knowledge